The following is an entry in ClinVar:

ClinVar aggregate classification (germline): Uncertain significance. Review status: reviewed by expert panel (3 of 4 stars). 3 submissions from 3 submitters: Uncertain significance (1). 2 of the submissions do not count toward it. Last evaluated 2024-02-26.

Conditions:
CDH1-related diffuse gastric and lobular breast cancer syndrome. Also called: CDH1-related diffuse gastric and lobular breast cancer. Identifiers: MedGen CN311521, MONDO:0100488.
Hereditary cancer-predisposing syndrome. Also called: Hereditary neoplastic syndrome; Neoplastic Syndromes, Hereditary; Tumor predisposition; Hereditary Cancer Syndrome. Identifiers: Orphanet 140162, MedGen C0027672, MeSH D009386, MONDO:0015356.
Hereditary diffuse gastric adenocarcinoma (HDGC). Also called: DIFFUSE GASTRIC AND LOBULAR BREAST CANCER SYNDROME. Identifiers: Orphanet 26106, MedGen C1708349, MONDO:0007648, OMIM 137215.

Submissions (3):

Clingen Gastric Cancer Variant Curation Expert Panel
Classification: Uncertain significance for CDH1-related diffuse gastric and lobular breast cancer syndrome. Last evaluated: 2024-02-26. Review status: reviewed by expert panel. Criteria: ClinGen CDH1 ACMG Specifications V3.1. Collection method: curation. Allele origin: germline. Inheritance: Autosomal dominant inheritance.
Comment: The c.687+2T>C variant is a canonical splice variant predicted to result in a truncated or absent protein (PVS1_Strong, PM5_Supporting). The variant is absent in the gnomAD cohort (PM2_Supporting). This variant is at +2 donor site variant with other likely pathogenic canonical splicing variants curated at the same splice site (PM5_Supporting). The variant has been observed in 6 individuals without DGC, SRC tumors or LBC and whose families do not suggest HDGC (BS2_Supporting). In summary, the clinical significance of this variant is uncertain. ACMG/AMP criteria applied, as specified by the CDH1 Variant Curation Expert Panel (Variant Interpretation Guidelines Version 3.1): PVS1_Strong, PM2_Supporting, PM5_Supporting, BS2_Supporting.

Labcorp Genetics (formerly Invitae), Labcorp
Classification: Pathogenic for Hereditary diffuse gastric adenocarcinoma. Last evaluated: 2022-10-28. Review status: criteria provided, single submitter. Criteria: Invitae Variant Classification Sherloc (09022015). Collection method: clinical testing. Allele origin: germline. Not counted in ClinVar's aggregate classification.
Comment: This sequence change affects a donor splice site in intron 5 of the CDH1 gene. It is expected to disrupt RNA splicing. Variants that disrupt the donor or acceptor splice site typically lead to a loss of protein function (PMID: 16199547), and loss-of-function variants in CDH1 are known to be pathogenic (PMID: 15235021, 20373070). This variant is not present in population databases (gnomAD no frequency). Disruption of this splice site has been observed in individuals with diffuse gastric cancer (PMID: 15235021; Invitae). ClinVar contains an entry for this variant (Variation ID: 463790). Algorithms developed to predict the effect of sequence changes on RNA splicing suggest that this variant may create or strengthen a splice site. For these reasons, this variant has been classified as Pathogenic.

Ambry Genetics
Classification: Likely pathogenic for Hereditary cancer-predisposing syndrome. Last evaluated: 2019-01-07. Review status: criteria provided, single submitter. Criteria: Ambry Variant Classification Scheme 2023. Collection method: clinical testing. Allele origin: germline. Not counted in ClinVar's aggregate classification.
Comment: The c.687+2T>C intronic variant results from a T to C substitution two nucleotides after coding exon 5 in the CDH1 gene. This nucleotide position is highly conserved in available vertebrate species. Using the ESEfinder and HSF splice site prediction tools, this alteration is predicted to abolish the native splice donor site; however, direct evidence is unavailable. Alterations that disrupt the canonical splice site are expected to cause aberrant splicing, resulting in an abnormal protein or a transcript that is subject to nonsense-mediated mRNA decay. As such, this alteration is classified as likely pathogenic.

Literature cited by the submitters: PubMed 16199547 (cited by Labcorp Genetics (formerly Invitae), Labcorp); PubMed 15235021 (cited by Labcorp Genetics (formerly Invitae), Labcorp); PubMed 20373070 (cited by Labcorp Genetics (formerly Invitae), Labcorp).

NM_004360.5(CDH1):c.687+2T>C

Gene: CDH1 (cadherin 1; plus strand). Cytogenetic location: 16q22.1.
Variant type: single nucleotide variant.
Coding change: c.687+2T>C on transcript NM_004360.5 (MANE Select); the canonical splice donor site of the intron after coding-DNA position 687, T replaced by C.
Molecular consequence: splice donor variant.
Genome position (GRCh38, 1-based): chr16:68,808,850, T>C. VCF-style: chr16-68808850-T-C. GRCh37 (hg19) VCF-style: chr16-68842753-T-C.
Other names: c.-929+2T>C (NM_001317185.2); c.-1133+2T>C (NM_001317186.2); c.687+2T>C (NM_001317184.2).
Identifiers: ClinVar variation 463790 (VCV000463790.15), dbSNP rs1555515297, ClinGen allele CA396458165.